The following is an entry in ClinVar:

NM_152419.3(HGSNAT):c.531C>G (p.Ile177Met)

Gene: HGSNAT (heparan-alpha-glucosaminide N-acetyltransferase; plus strand). Cytogenetic location: 8p11.21.
Variant type: single nucleotide variant.
Coding change: c.531C>G on transcript NM_152419.3 (MANE Select); coding-DNA position 531, C replaced by G.
Protein change: p.Ile177Met; replaces isoleucine 177 with methionine.
Molecular consequence: missense variant. On other transcripts: 5 prime UTR variant (1).
Genome position (GRCh38, 1-based): chr8:43,161,475, C>G. VCF-style: chr8-43161475-C-G. GRCh37 (hg19) VCF-style: chr8-43016618-C-G.
Other names: c.531C>G, p.Ile177Met (NM_001363227.2, NM_001363228.2); c.-303C>G (NM_001363229.2); short protein forms I177M.
Identifiers: ClinVar variation 2428444 (VCV002428444.2), dbSNP rs2486919261, ClinGen allele CA371115803.

ClinVar aggregate classification (germline): Uncertain significance (1 of 4 stars; one submission).

Conditions:
Retinitis pigmentosa 73 (RP73). Identifiers: Orphanet 791, MedGen C4225287, MONDO:0014687, OMIM 616544.
Mucopolysaccharidosis, MPS-III-C (MPS3C). Also called: SANFILIPPO SYNDROME C; MPS IIIC (Sanfilippo Syndrome Type C); MPS III C; Mucopolysaccharidosis type IIIC (Sanfilippo C); MUCOPOLYSACCHARIDOSIS, TYPE IIIC; mucopolysaccharidosis type 3C. Identifiers: Orphanet 581, Orphanet 79271, MedGen C0086649, MONDO:0009657, OMIM 252930.

Allele frequency attached by ClinVar (database versions not stated): gnomAD exomes below 0.00001.
gnomAD v4.1: 1 of 1,611,100 alleles (0.000062%); highest among the groups gnomAD compares: Non-Finnish European, 0.000085%; no homozygotes.

Submission:

Labcorp Genetics (formerly Invitae), Labcorp
Classification: Uncertain significance for Retinitis pigmentosa 73; Mucopolysaccharidosis, MPS-III-C. Last evaluated: 2021-12-28. Review status: criteria provided, single submitter. Criteria: Invitae Variant Classification Sherloc (09022015). Collection method: clinical testing. Allele origin: germline.
Comment: This sequence change replaces isoleucine, which is neutral and non-polar, with methionine, which is neutral and non-polar, at codon 177 of the HGSNAT protein (p.Ile177Met). This variant is not present in population databases (gnomAD no frequency). This variant has not been reported in the literature in individuals affected with HGSNAT-related conditions. Advanced modeling of protein sequence and biophysical properties (such as structural, functional, and spatial information, amino acid conservation, physicochemical variation, residue mobility, and thermodynamic stability) performed at Invitae indicates that this missense variant is not expected to disrupt HGSNAT protein function. In summary, the available evidence is currently insufficient to determine the role of this variant in disease. Therefore, it has been classified as a Variant of Uncertain Significance.